The following is an entry in ClinVar:

ClinVar aggregate classification (germline): Uncertain significance (0 of 4 stars; one submission).

Conditions:
SYNE1-related disorder. Also called: SYNE1-related disease; SYNE1-related condition; SYNE1-related disorders.

Submission:

PreventionGenetics, part of Exact Sciences
Classification: Uncertain significance for SYNE1-related condition. Last evaluated: 2024-06-12. Review status: no assertion criteria provided. Collection method: clinical testing. Allele origin: germline.
Comment: The SYNE1 c.3559A>C variant is predicted to result in the amino acid substitution p.Thr1187Pro. To our knowledge, this variant has not been reported in the literature or in a large population database, indicating this variant is rare. At this time, the clinical significance of this variant is uncertain due to the absence of conclusive functional and genetic evidence.

NM_182961.4(SYNE1):c.3538A>C (p.Thr1180Pro)

Gene: SYNE1 (spectrin repeat containing nuclear envelope protein 1; minus strand). Cytogenetic location: 6q25.2.
Variant type: single nucleotide variant.
Coding change: c.3538A>C on transcript NM_182961.4 (MANE Select); coding-DNA position 3538, A replaced by C.
Protein change: p.Thr1180Pro; replaces threonine 1180 with proline.
Molecular consequence: missense variant.
Genome position (GRCh38, 1-based): chr6:152,447,589, T>G on the plus strand (A>C on the coding strand, the complement: SYNE1 is on the minus strand). VCF-style: chr6-152447589-T-G. GRCh37 (hg19) VCF-style: chr6-152768724-T-G.
Other names: c.3559A>C, p.Thr1187Pro (NM_033071.5); short protein forms T1180P, T1187P.
Identifiers: ClinVar variation 2637175 (VCV002637175.2), dbSNP rs2500829737, ClinGen allele CA366148592.